The following is an entry in ClinVar:

ClinVar aggregate classification (germline): Likely benign (0 of 4 stars; one submission).

Conditions:
SI-related disorder. Also called: SI-related condition.

Submission:

PreventionGenetics, part of Exact Sciences
Classification: Likely benign for SI-related condition. Last evaluated: 2019-04-04. Review status: no assertion criteria provided. Collection method: clinical testing. Allele origin: germline.
Comment: This variant is classified as likely benign based on ACMG/AMP sequence variant interpretation guidelines (Richards et al. 2015 PMID: 25741868, with internal and published modifications).

NM_001041.4(SI):c.4947C>T (p.Ala1649=)

Gene: SI (sucrase-isomaltase; minus strand). Cytogenetic location: 3q26.1.
Variant type: single nucleotide variant.
Coding change: c.4947C>T on transcript NM_001041.4 (MANE Select); coding-DNA position 4947, C replaced by T.
Protein change: p.Ala1649=; no amino-acid change (alanine 1649 retained).
Molecular consequence: synonymous variant.
Genome position (GRCh38, 1-based): chr3:164,992,213, G>A on the plus strand (C>T on the coding strand, the complement: SI is on the minus strand). VCF-style: chr3-164992213-G-A. GRCh37 (hg19) VCF-style: chr3-164710001-G-A.
Identifiers: ClinVar variation 3057480 (VCV003057480.2), dbSNP rs2473200495, ClinGen allele CA436700392.